The following is an entry in ClinVar:

NM_020533.3(MCOLN1):c.333_336del (p.Asp111fs)

Gene: MCOLN1 (mucolipin TRP cation channel 1; plus strand). Cytogenetic location: 19p13.2.
Variant type: Microsatellite.
Coding change: c.333_336del on transcript NM_020533.3 (MANE Select); coding-DNA positions 333 to 336, 4 bases deleted (CGGA; older notation c.333_336delCGGA).
Protein change: p.Asp111fs; shifts the reading frame from aspartic acid 111.
Molecular consequence: frameshift variant.
Genome position (GRCh38, 1-based): chr19:7,526,534-7,526,537, CGGA deleted; deleting any 4 consecutive bases within chr19:7,526,530-7,526,537 gives the same sequence; the c. name uses the placement nearest the transcript's 3' end. VCF-style (leftmost placement, unchanged base first): chr19-7526529-TCGGA-T. GRCh37 (hg19) VCF-style: chr19-7591415-TCGGA-T.
Other names: short protein forms D111fs.
Identifiers: ClinVar variation 4710976 (VCV004710976.1).

ClinVar aggregate classification (germline): Pathogenic (1 of 4 stars; one submission).

Conditions:
Mucolipidosis type IV (ML4). Also called: ML IV. Identifiers: Orphanet 578, MedGen C0238286, MONDO:0009653, OMIM 252650.

Submission:

Labcorp Genetics (formerly Invitae), Labcorp
Classification: Pathogenic for Mucolipidosis type IV. Last evaluated: 2025-04-18. Review status: criteria provided, single submitter. Criteria: Invitae Variant Classification Sherloc (09022015). Collection method: clinical testing. Allele origin: germline.
Comment: This sequence change creates a premature translational stop signal (p.Asp111Glufs*126) in the MCOLN1 gene. It is expected to result in an absent or disrupted protein product. Loss-of-function variants in MCOLN1 are known to be pathogenic (PMID: 11030752, 11317355, 37972748). This variant is not present in population databases (gnomAD no frequency). This variant has not been reported in the literature in individuals affected with MCOLN1-related conditions. For these reasons, this variant has been classified as Pathogenic.

Literature cited by the submitters: PubMed 11030752; PubMed 11317355; PubMed 37972748.